The following is an entry in ClinVar:

ClinVar aggregate classification (germline): Pathogenic/Likely pathogenic. Review status: criteria provided, multiple submitters, no conflicts (2 of 4 stars). 4 submissions from 4 submitters: Pathogenic (3); Likely pathogenic (1). Last evaluated 2025-11-18.

Conditions:
Osteopetrosis. Identifiers: Orphanet 2781, MedGen C0029454, MONDO:0017198, HP:0011002.
Autosomal recessive osteopetrosis 1. Also called: ALBERS-SCHONBERG DISEASE, AUTOSOMAL RECESSIVE; TCIRG1-Related Autosomal Recessive Osteopetrosis; TCIRG1-Related Osteopetrosis. Identifiers: Orphanet 667, MedGen C1850127, MONDO:0009815, OMIM 259700.

Allele frequency attached by ClinVar (database versions not stated): gnomAD 0.00001; gnomAD exomes 0.00002.
gnomAD v4.1: 14 of 1,613,186 alleles (0.00087%); highest among the groups gnomAD compares: African/African-American, 0.0013%; no homozygotes.

Submissions (4):

Labcorp Genetics (formerly Invitae), Labcorp
Classification: Pathogenic. Last evaluated: 2025-11-18. Review status: criteria provided, single submitter. Criteria: Invitae Variant Classification Sherloc (09022015). Collection method: clinical testing. Allele origin: germline.
Comment: This sequence change creates a premature translational stop signal (p.Trp689*) in the TCIRG1 gene. It is expected to result in an absent or disrupted protein product. Loss-of-function variants in TCIRG1 are known to be pathogenic (PMID: 10888887, 10942435, 11532986, 19448635). This variant is not present in population databases (gnomAD no frequency). This variant has not been reported in the literature in individuals affected with TCIRG1-related conditions. ClinVar contains an entry for this variant (Variation ID: 658416). For these reasons, this variant has been classified as Pathogenic.

Victorian Clinical Genetics Services, Murdoch Childrens Research Institute
Classification: Pathogenic for Autosomal recessive osteopetrosis 1. Last evaluated: 2024-09-20. Review status: criteria provided, single submitter. Criteria: ACMG Guidelines, 2015. Collection method: clinical testing. Allele origin: germline. Inheritance: Autosomal recessive inheritance. Affected: yes.
Comment: Based on the classification scheme VCGS_Germline_v1.3.4, this variant is classified as Pathogenic. Following criteria are met: 0102 - Loss of function is a known mechanism of disease in this gene and is associated with autosomal recessive osteopetrosis 1 (MIM#259700). (I) 0106 - This gene is associated with autosomal recessive disease. (I) 0115 - Variants in this gene are known to have variable expressivity. Patients may present with variable features (PMID: 17400532). (I) 0201 - Variant is predicted to cause nonsense-mediated decay (NMD) and loss of protein (premature termination codon is located at least 54 nucleotides upstream of the final exon-exon junction). (SP) 0251 - This variant is heterozygous. (I) 0304 - Variant is present in gnomAD (v3) <0.01 for a recessive condition (1 heterozygote, 0 homozygotes). (SP) 0701 - Many other NMD-predicted variants comparable to the one identified in this case have very strong previous evidence for pathogenicity (DECIPHER). (SP) 0803 - This variant has limited previous evidence of pathogenicity in unrelated individuals. This variant has been submitted once each as likely pathogenic and pathogenic in ClinVar. (SP) 0905 - No published segregation evidence has been identified for this variant. (I) 1007 - No published functional evidence has been identified for this variant. (I) 1201 - Heterozygous variant detected in trans with a second pathogenic heterozygous variant (NM_006019.2(TCIRG1):c.117+4A>T) in a recessive disease. (I) Legend: (SP) - Supporting pathogenic, (I) - Information, (SB) - Supporting benign

Women's Health and Genetics/Laboratory Corporation of America, LabCorp
Classification: Pathogenic for Osteopetrosis. Last evaluated: 2024-09-09. Review status: criteria provided, single submitter. Criteria: LabCorp Variant Classification Summary - May 2015. Collection method: clinical testing. Allele origin: germline.
Comment: Variant summary: TCIRG1 c.2066G>A (p.Trp689X) results in a premature termination codon, predicted to cause a truncation of the encoded protein or absence of the protein due to nonsense mediated decay, which are commonly known mechanisms for disease. The variant was absent in 249650 control chromosomes. To our knowledge, no occurrence of c.2066G>A in individuals affected with Osteopetrosis and no experimental evidence demonstrating its impact on protein function have been reported. ClinVar contains an entry for this variant (Variation ID: 658416). Based on the evidence outlined above, the variant was classified as pathogenic.

Fulgent Genetics
Classification: Likely pathogenic for Autosomal recessive osteopetrosis 1. Last evaluated: 2024-03-13. Review status: criteria provided, single submitter. Criteria: ACMG Guidelines, 2015. Collection method: clinical testing. Allele origin: germline.

Literature cited by the submitters: PubMed 10888887 (cited by Labcorp Genetics (formerly Invitae), Labcorp); PubMed 10942435 (cited by Labcorp Genetics (formerly Invitae), Labcorp); PubMed 11532986 (cited by Labcorp Genetics (formerly Invitae), Labcorp); PubMed 19448635 (cited by Labcorp Genetics (formerly Invitae), Labcorp); PubMed 17400532 (cited by Victorian Clinical Genetics Services, Murdoch Childrens Research Institute).

NM_006019.4(TCIRG1):c.2066G>A (p.Trp689Ter)

Gene: TCIRG1 (T cell immune regulator 1, ATPase H+ transporting V0 subunit a3; plus strand). Cytogenetic location: 11q13.2.
Variant type: single nucleotide variant.
Coding change: c.2066G>A on transcript NM_006019.4 (MANE Select); coding-DNA position 2066, G replaced by A.
Protein change: p.Trp689Ter; replaces tryptophan 689 with a stop codon.
Molecular consequence: nonsense.
Genome position (GRCh38, 1-based): chr11:68,050,014, G>A. VCF-style: chr11-68050014-G-A. GRCh37 (hg19) VCF-style: chr11-67817481-G-A.
Other names: c.1172G>A, p.Trp391Ter (NM_001351059.2); c.1418G>A, p.Trp473Ter (NM_006053.4); short protein forms W391*, W689*, W473*.
Identifiers: ClinVar variation 658416 (VCV000658416.11), dbSNP rs1590817956, ClinGen allele CA381589473.